The following is an entry in ClinVar:

ClinVar aggregate classification (germline): not provided (0 of 4 stars; one submission).

Submission:

ITMI
No classification provided. Condition: AllHighlyPenetrant. Last evaluated: 2013-09-19. Review status: no classification provided. Collection method: reference population. Allele origin: germline.
Comment: Please see associated publication for description of ethnicities

Literature cited by the submitters: PubMed 24728327.

NM_004333.6(BRAF):c.61G>A (p.Gly21Arg)

Gene: BRAF (B-Raf proto-oncogene, serine/threonine kinase; minus strand). Cytogenetic location: 7q34.
Variant type: single nucleotide variant.
Coding change: c.61G>A on transcript NM_004333.6 (MANE Select); coding-DNA position 61, G replaced by A.
Protein change: p.Gly21Arg; replaces glycine 21 with arginine.
Molecular consequence: missense variant.
Genome position (GRCh38, 1-based): chr7:140,924,643, C>T on the plus strand (G>A on the coding strand, the complement: BRAF is on the minus strand). VCF-style: chr7-140924643-C-T. GRCh37 (hg19) VCF-style: chr7-140624443-C-T.
Other names: c.61G>A, p.Gly21Arg (NM_001354609.2, NM_001374244.1, NM_001374258.1 and 7 more transcripts); short protein forms G21R.
Identifiers: ClinVar variation 133719 (VCV000133719.1), dbSNP rs587778113, ClinGen allele CA157468.
Genomic context (GRCh38, chr7:140,924,643, plus strand): 5'-GGTCCGCAGCCGAAGAGGCCGCGGCGCCGGCGCCGGCGCCGGCCTCGGGCTCCATGTCCC[C>T]GTTGAACAGAGCCTGGCCCGGCTCCGCGCCGCCACCACCGCCACCGCTCAGCGCCGCCAT-3'
Protein context (NP_004324.2, residues 11-31): GAEPGQALFN[Gly21Arg]DMEPEAGAGA